The following is an entry in ClinVar:

ClinVar aggregate classification (germline): Uncertain significance. Review status: criteria provided, multiple submitters, no conflicts (2 of 4 stars). 2 submissions from 2 submitters: Uncertain significance (2). Last evaluated 2022-04-11.

Conditions:
Retinal cone dystrophy 4 (RCD4). Identifiers: Orphanet 1872, MedGen C1864849, MONDO:0012507, OMIM 610478.

Allele frequency attached by ClinVar (database versions not stated): gnomAD 0.00001; TOPMed 0.00001; gnomAD exomes 0.00003.
gnomAD v4.1: 51 of 1,613,842 alleles (0.0032%); highest among the groups gnomAD compares: Non-Finnish European, 0.0043%; no homozygotes.

Submissions (2):

Labcorp Genetics (formerly Invitae), Labcorp
Classification: Uncertain significance. Last evaluated: 2022-04-11. Review status: criteria provided, single submitter. Criteria: Invitae Variant Classification Sherloc (09022015). Collection method: clinical testing. Allele origin: germline.
Comment: In summary, the available evidence is currently insufficient to determine the role of this variant in disease. Therefore, it has been classified as a Variant of Uncertain Significance. Algorithms developed to predict the effect of missense changes on protein structure and function (SIFT, PolyPhen-2, Align-GVGD) all suggest that this variant is likely to be tolerated. ClinVar contains an entry for this variant (Variation ID: 307838). This variant has not been reported in the literature in individuals affected with CACNA2D4-related conditions. This variant is present in population databases (no rsID available, gnomAD 0.007%). This sequence change replaces glutamic acid, which is acidic and polar, with aspartic acid, which is acidic and polar, at codon 971 of the CACNA2D4 protein (p.Glu971Asp).

Illumina Laboratory Services, Illumina
Classification: Uncertain significance for Retinal cone dystrophy 4. Last evaluated: 2018-01-12. Review status: criteria provided, single submitter. Criteria: ICSL Variant Classification Criteria 13 December 2019. Collection method: clinical testing. Allele origin: germline.

NM_172364.5(CACNA2D4):c.2913G>C (p.Glu971Asp)

Gene: CACNA2D4 (calcium voltage-gated channel auxiliary subunit alpha2delta 4; minus strand). Cytogenetic location: 12p13.33.
Variant type: single nucleotide variant.
Coding change: c.2913G>C on transcript NM_172364.5 (MANE Select); coding-DNA position 2913, G replaced by C.
Protein change: p.Glu971Asp; replaces glutamic acid 971 with aspartic acid.
Molecular consequence: missense variant.
Genome position (GRCh38, 1-based): chr12:1,800,394, C>G on the plus strand (G>C on the coding strand, the complement: CACNA2D4 is on the minus strand). VCF-style: chr12-1800394-C-G. GRCh37 (hg19) VCF-style: chr12-1909560-C-G.
Other names: short protein forms E971D.
Identifiers: ClinVar variation 307838 (VCV000307838.9), dbSNP rs886049123, ClinGen allele CA10640591.